The following is an entry in ClinVar:

ClinVar aggregate classification (germline): Uncertain significance (1 of 4 stars; one submission).

Submission:

Women's Health and Genetics/Laboratory Corporation of America, LabCorp
Classification: Uncertain significance. Last evaluated: 2025-03-10. Review status: criteria provided, single submitter. Criteria: LabCorp Variant Classification Summary - May 2015. Collection method: clinical testing. Allele origin: germline.
Comment: Variant summary: BBS10 c.203T>G (p.Ile68Arg) results in a non-conservative amino acid change in the encoded protein sequence. Five of five in-silico tools predict a damaging effect of the variant on protein function. The variant was absent in 235850 control chromosomes. The available data on variant occurrences in the general population are insufficient to allow any conclusion about variant significance. To our knowledge, no occurrence of c.203T>G in individuals affected with Bardet-Biedl Syndrome and no experimental evidence demonstrating its impact on protein function have been reported. No submitters have cited clinical-significance assessments for this variant to ClinVar. Based on the evidence outlined above, the variant was classified as uncertain significance.

NM_024685.4(BBS10):c.203T>G (p.Ile68Arg)

Gene: BBS10 (Bardet-Biedl syndrome 10; minus strand). Cytogenetic location: 12q21.2.
Variant type: single nucleotide variant.
Coding change: c.203T>G on transcript NM_024685.4 (MANE Select); coding-DNA position 203, T replaced by G.
Protein change: p.Ile68Arg; replaces isoleucine 68 with arginine.
Molecular consequence: missense variant.
Genome position (GRCh38, 1-based): chr12:76,347,782, A>C on the plus strand (T>G on the coding strand, the complement: BBS10 is on the minus strand). VCF-style: chr12-76347782-A-C. GRCh37 (hg19) VCF-style: chr12-76741562-A-C.
Other names: short protein forms I68R.
Identifiers: ClinVar variation 3895757 (VCV003895757.1).